The following is an entry in ClinVar:

NM_000179.3(MSH6):c.2333T>C (p.Leu778Pro)

Gene: MSH6 (mutS homolog 6; plus strand). Cytogenetic location: 2p16.3.
Variant type: single nucleotide variant.
Coding change: c.2333T>C on transcript NM_000179.3 (MANE Select); coding-DNA position 2333, T replaced by C.
Protein change: p.Leu778Pro; replaces leucine 778 with proline.
Molecular consequence: missense variant. On other transcripts: non-coding transcript variant (5), intron variant (3).
Genome position (GRCh38, 1-based): chr2:47,800,316, T>C. VCF-style: chr2-47800316-T-C. GRCh37 (hg19) VCF-style: chr2-48027455-T-C.
Other names: c.1943T>C, p.Leu648Pro (NM_001281492.2); c.1427T>C, p.Leu476Pro (NM_001281493.2, NM_001281494.2, NM_001406811.1 and 6 more transcripts); c.2429T>C, p.Leu810Pro (NM_001406795.1, NM_001406802.1); c.2333T>C, p.Leu778Pro (NM_001406796.1, NM_001406798.1, NM_001406800.1 and 2 more transcripts); c.2036T>C, p.Leu679Pro (NM_001406797.1, NM_001406801.1, NM_001406805.1 and 10 more transcripts); c.1808T>C, p.Leu603Pro (NM_001406799.1, NM_001406806.1, NM_001406807.1); c.2255T>C, p.Leu752Pro (NM_001406804.1); c.2339T>C, p.Leu780Pro (NM_001406813.1); and 4 more; short protein forms L679P, L722P, L603P, L778P, L810P, L476P, L648P, L752P.
Identifiers: ClinVar variation 2587343 (VCV002587343.3), dbSNP rs2104401359, ClinGen allele CA346753385.

ClinVar aggregate classification (germline): Likely pathogenic (1 of 4 stars; one submission).

Conditions:
Hereditary cancer-predisposing syndrome. Also called: Tumor predisposition; Hereditary Cancer Syndrome; Hereditary neoplastic syndrome; Neoplastic Syndromes, Hereditary. Identifiers: Orphanet 140162, MedGen C0027672, MeSH D009386, MONDO:0015356.

Submission:

Ambry Genetics
Classification: Likely pathogenic for Hereditary cancer-predisposing syndrome. Last evaluated: 2025-08-08. Review status: criteria provided, single submitter. Criteria: Ambry Variant Classification Scheme 2023. Collection method: clinical testing. Allele origin: germline.
Comment: The c.2333T>C (p.L778P) alteration is located in exon 4 (coding exon 4) of the MSH6 gene. This alteration results from a T to C substitution at nucleotide position 2333, causing the leucine (L) at amino acid position 778 to be replaced by a proline (P). This variant was not reported in population-based cohorts in the Genome Aggregation Database (gnomAD). This variant was reported in individual(s) with features consistent with MSH6-related Lynch syndrome (Ambry internal data). This amino acid position is highly conserved in available vertebrate species. Based on internal structural analysis, L778P is more disruptive to the MutS domain III than several nearby internally pathogenic variants (Warren, 2007). This alteration is predicted to be deleterious by in silico analysis. Based on the available evidence, this alteration is classified as likely pathogenic.

Literature cited by the submitters: PubMed 17531815.